The following is an entry in ClinVar:

NM_002076.4(GNS):c.400del (p.Ala134fs)

Gene: GNS (glucosamine (N-acetyl)-6-sulfatase; minus strand). Cytogenetic location: 12q14.3.
Variant type: Deletion.
Coding change: c.400del on transcript NM_002076.4 (MANE Select); coding-DNA position 400, one base deleted (G; older notation c.400delG).
Protein change: p.Ala134fs; shifts the reading frame from alanine 134.
Molecular consequence: frameshift variant.
Genome position (GRCh38, 1-based): chr12:64,747,771, C deleted on the plus strand (G on the coding strand, the reverse complement: GNS is on the minus strand). VCF-style (leftmost placement, unchanged base first): chr12-64747770-GC-G. GRCh37 (hg19) VCF-style: chr12-65141550-GC-G.
Other names: short protein forms A134fs.
Identifiers: ClinVar variation 2825435 (VCV002825435.3), dbSNP rs1869939768, ClinGen allele CA2042259517.

ClinVar aggregate classification (germline): Pathogenic (1 of 4 stars; one submission).

Conditions:
Mucopolysaccharidosis, MPS-III-D (MPS3D). Also called: MPS IIID (Sanfilippo Syndrome Type D); N-ACETYLGLUCOSAMINE-6-SULFATASE DEFICIENCY; SANFILIPPO SYNDROME D; MPS III D; Mucopoly-saccharidosis type 3D; N-acetylglucosamine-6-sulfate sulfatase deficiency. Identifiers: Orphanet 581, Orphanet 79272, MedGen C0086650, MONDO:0009658, OMIM 252940.

Submission:

Labcorp Genetics (formerly Invitae), Labcorp
Classification: Pathogenic for Mucopolysaccharidosis, MPS-III-D. Last evaluated: 2022-12-31. Review status: criteria provided, single submitter. Criteria: Invitae Variant Classification Sherloc (09022015). Collection method: clinical testing. Allele origin: germline.
Comment: For these reasons, this variant has been classified as Pathogenic. Algorithms developed to predict the effect of sequence changes on RNA splicing suggest that this variant may create or strengthen a splice site. This variant has not been reported in the literature in individuals affected with GNS-related conditions. This variant is not present in population databases (gnomAD no frequency). This sequence change creates a premature translational stop signal (p.Ala134Glnfs*18) in the GNS gene. It is expected to result in an absent or disrupted protein product. Loss-of-function variants in GNS are known to be pathogenic (PMID: 20232353).

Literature cited by the submitters: PubMed 20232353.